The following is an entry in ClinVar:

NM_015122.3(FCHO1):c.100G>A (p.Ala34Thr)

Gene: FCHO1 (FCH and mu domain containing endocytic adaptor 1; plus strand). Cytogenetic location: 19p13.11.
Variant type: single nucleotide variant.
Coding change: c.100G>A on transcript NM_015122.3 (MANE Select); coding-DNA position 100, G replaced by A.
Protein change: p.Ala34Thr; replaces alanine 34 with threonine.
Molecular consequence: missense variant. On other transcripts: 5 prime UTR variant (6), non-coding transcript variant (36).
Genome position (GRCh38, 1-based): chr19:17,762,834, G>A. VCF-style: chr19-17762834-G-A. GRCh37 (hg19) VCF-style: chr19-17873643-G-A.
Other names: c.100G>A, p.Ala34Thr (NM_001384379.1, NM_001384380.1, NM_001384394.1 and 30 more transcripts); c.-51G>A (NM_001384406.1, NM_001384407.1, NM_001161359.2 and 3 more transcripts); short protein forms A34T.
Identifiers: ClinVar variation 1410300 (VCV001410300.6), dbSNP rs2086875746, ClinGen allele CA404747846.
Genomic context (GRCh38, chr19:17,762,834, plus strand): 5'-CATGGCTTTGAGGTCCTGTACCACAGCGTGAAGCAGGGGCCCATCTCCACCAAGGAGCTG[G>A]CGGACTTCATCCGGGAGAGGTGAGGTCCCCAAGCCCCATCCACCAGAGGCCACGCCCACC-3'
Protein context (NP_055937.1, residues 24-44): KQGPISTKEL[Ala34Thr]DFIRERATIE

ClinVar aggregate classification (germline): Uncertain significance (1 of 4 stars; one submission).

Submission:

Labcorp Genetics (formerly Invitae), Labcorp
Classification: Uncertain significance. Last evaluated: 2024-02-24. Review status: criteria provided, single submitter. Criteria: Invitae Variant Classification Sherloc (09022015). Collection method: clinical testing. Allele origin: germline.
Comment: This sequence change replaces alanine, which is neutral and non-polar, with threonine, which is neutral and polar, at codon 34 of the FCHO1 protein (p.Ala34Thr). This variant is not present in population databases (gnomAD no frequency). This variant has not been reported in the literature in individuals affected with FCHO1-related conditions. ClinVar contains an entry for this variant (Variation ID: 1410300). An algorithm developed to predict the effect of missense changes on protein structure and function (PolyPhen-2) suggests that this variant is likely to be disruptive. In summary, the available evidence is currently insufficient to determine the role of this variant in disease. Therefore, it has been classified as a Variant of Uncertain Significance.